The following is an entry in ClinVar:

NM_002335.4(LRP5):c.3468G>C (p.Gln1156His)

Gene: LRP5 (LDL receptor related protein 5; plus strand). Cytogenetic location: 11q13.2.
Variant type: single nucleotide variant.
Coding change: c.3468G>C on transcript NM_002335.4 (MANE Select); coding-DNA position 3468, G replaced by C.
Protein change: p.Gln1156His; replaces glutamine 1156 with histidine.
Molecular consequence: missense variant.
Genome position (GRCh38, 1-based): chr11:68,426,018, G>C. VCF-style: chr11-68426018-G-C. GRCh37 (hg19) VCF-style: chr11-68193486-G-C.
Other names: c.1725G>C, p.Gln575His (NM_001291902.2); short protein forms Q1156H, Q575H.
Identifiers: ClinVar variation 162390 (VCV000162390.2), dbSNP rs724159825, ClinGen allele CA210905.

ClinVar aggregate classification (germline): Uncertain significance. Review status: criteria provided, single submitter (1 of 4 stars). 2 submissions from 2 submitters: Uncertain significance (1). 1 of the submissions does not count toward it. Last evaluated 2025-06-24.

Conditions:
Polycystic kidney disease, adult type (PKD1). Also called: POLYCYSTIC KIDNEY DISEASE 1 WITH OR WITHOUT POLYCYSTIC LIVER DISEASE; Polycystic Kidney Disease 1, Autosomal Dominant; Polycystic kidney disease 1; Polycystic kidney disease 1, severe; POLYCYSTIC KIDNEY DISEASE, ADULT, TYPE I; Polycystic Kidney, Autosomal Dominant. Identifiers: MedGen C3149841, MONDO:0008263, OMIM 173900.

gnomAD v4.1: 6 of 1,613,052 alleles (0.00037%); highest among the groups gnomAD compares: Non-Finnish European, 0.00051%; no homozygotes.

Submissions (2):

Labcorp Genetics (formerly Invitae), Labcorp
Classification: Uncertain significance. Last evaluated: 2025-06-24. Review status: criteria provided, single submitter. Criteria: Invitae Variant Classification Sherloc (09022015). Collection method: clinical testing. Allele origin: germline.
Comment: This sequence change replaces glutamine, which is neutral and polar, with histidine, which is basic and polar, at codon 1156 of the LRP5 protein (p.Gln1156His). This variant is not present in population databases (gnomAD no frequency). This variant has not been reported in the literature in individuals affected with LRP5-related conditions. ClinVar contains an entry for this variant (Variation ID: 162390). Invitae Evidence Modeling of protein sequence and biophysical properties (such as structural, functional, and spatial information, amino acid conservation, physicochemical variation, residue mobility, and thermodynamic stability) indicates that this missense variant is not expected to disrupt LRP5 protein function with a negative predictive value of 95%. Experimental studies are conflicting or provide insufficient evidence to determine the effect of this variant on LRP5 function (PMID: 25920554). In summary, the available evidence is currently insufficient to determine the role of this variant in disease. Therefore, it has been classified as a Variant of Uncertain Significance.

Laboratory of Gastroenterology and Hepatology, Radboud University Medical Center
No classification provided. Condition: Polycystic kidney disease, adult type. Review status: no classification provided. Collection method: not provided. Allele origin: germline. Not counted in ClinVar's aggregate classification.

Literature cited by the submitters: PubMed 25920554 (cited by Labcorp Genetics (formerly Invitae), Labcorp).